The following is an entry in ClinVar:

ClinVar aggregate classification (germline): Benign/Likely benign. Review status: criteria provided, multiple submitters, no conflicts (2 of 4 stars). 3 submissions from 3 submitters: Benign (1); Likely benign (2). Last evaluated 2026-02-03.

Allele frequency attached by ClinVar (database versions not stated): gnomAD exomes 0.00078 and 0.00193; ExAC 0.00267; gnomAD 0.00773 and 0.00839; ESP Exome Variant Server 0.00793; TOPMed 0.00884; 1000 Genomes Project 0.00899; 1000 Genomes Project 30x 0.00937.

Submissions (3):

Labcorp Genetics (formerly Invitae), Labcorp
Classification: Benign. Last evaluated: 2026-02-03. Review status: criteria provided, single submitter. Criteria: Invitae Variant Classification Sherloc (09022015). Collection method: clinical testing. Allele origin: germline.

GeneDx
Classification: Likely benign. Last evaluated: 2024-12-05. Review status: criteria provided, single submitter. Criteria: GeneDx Variant Classification Process June 2021. Collection method: clinical testing. Allele origin: germline. Affected: yes.
Comment: See Variant Classification Assertion Criteria.

Breakthrough Genomics
Classification: Likely benign. Review status: criteria provided, single submitter. Criteria: ACMG Guidelines, 2015. Collection method: not provided. Allele origin: germline. Inheritance: Autosomal recessive inheritance. Affected: yes.

NM_000718.4(CACNA1B):c.7010A>G (p.His2337Arg)

Gene: CACNA1B (calcium voltage-gated channel subunit alpha1 B; plus strand). Cytogenetic location: 9q34.3.
Variant type: single nucleotide variant.
Coding change: c.7010A>G on transcript NM_000718.4 (MANE Select); coding-DNA position 7010, A replaced by G.
Protein change: p.His2337Arg; replaces histidine 2337 with arginine.
Molecular consequence: missense variant. On other transcripts: 3 prime UTR variant (1).
Genome position (GRCh38, 1-based): chr9:138,121,989, A>G. VCF-style: chr9-138121989-A-G. GRCh37 (hg19) VCF-style: chr9-141016441-A-G.
Other names: c.*109A>G (NM_001243812.2); short protein forms H2337R.
Identifiers: ClinVar variation 784514 (VCV000784514.16), dbSNP rs150679456, ClinGen allele CA5377864.
Genomic context (GRCh38, chr9:138,121,989, plus strand): 5'-CCCTGGGACTCAGCTCGGGTGGCCGAGCACGGCACAGCTACCACCACCCTGACCAAGACC[A>G]CTGGTGCTAGCTGCACCGTGACCGCTCAGACGCCTGCATGCAGCAGGCGTGTGTTCCAGT-3'
Protein context (NP_000709.1, residues 2327-2339): RHSYHHPDQD[His2337Arg]WC